The following is an entry in ClinVar:

NM_003672.4(CDC14A):c.1414G>A (p.Val472Ile)

Gene: CDC14A (cell division cycle 14A; plus strand). Cytogenetic location: 1p21.2.
Variant type: single nucleotide variant.
Coding change: c.1414G>A on transcript NM_003672.4 (MANE Select); coding-DNA position 1414, G replaced by A.
Protein change: p.Val472Ile; replaces valine 472 with isoleucine.
Molecular consequence: missense variant.
Genome position (GRCh38, 1-based): chr1:100,498,200, G>A. VCF-style: chr1-100498200-G-A. GRCh37 (hg19) VCF-style: chr1-100963756-G-A.
Other names: c.1414G>A, p.Val472Ile (NM_001319210.2, NM_033312.3); c.1240G>A, p.Val414Ile (NM_001319211.2); c.535G>A, p.Val179Ile (NM_001319212.2); short protein forms V179I, V414I, V472I.
Identifiers: ClinVar variation 4689799 (VCV004689799.1).
Genomic context (GRCh38, chr1:100,498,200, plus strand): 5'-CTGTCCCCTTCAGCAACGGCCAAGAGGATCAACAGAACTTCTTTGTCTTCGGGTGCCACT[G>A]TAAGAAGGTAATTTTTCTCTCCCTCTTCTAAGGTGCTGGTTTGAGGTAAAGGAAGCTTGC-3'
Protein context (NP_003663.2, residues 462-482): NRTSLSSGAT[Val472Ile]RSFSINSRLA

ClinVar aggregate classification (germline): Uncertain significance (1 of 4 stars; one submission).

gnomAD v4.1: 11 of 1,613,604 alleles (0.00068%); highest among the groups gnomAD compares: Admixed American, 0.005%; no homozygotes.

Submission:

GeneDx
Classification: Uncertain significance. Last evaluated: 2025-07-27. Review status: criteria provided, single submitter. Criteria: GeneDx Variant Classification Process June 2021. Collection method: clinical testing. Allele origin: germline. Affected: yes.
Comment: In silico analysis suggests that this missense variant does not alter protein structure/function; Has not been previously published as pathogenic or benign to our knowledge